The following continues an entry in ClinVar:

NM_000059.4(BRCA2):c.2409T>G (p.Tyr803Ter)

Gene: BRCA2. ClinVar aggregate classification (germline): Pathogenic. Pathogenic (1).

Submissions 10 to 16 of 16:

PreventionGenetics, part of Exact Sciences
Classification: Pathogenic. Last evaluated: 2018-01-04. Review status: criteria provided, single submitter. Criteria: ACMG Guidelines, 2015. Collection method: clinical testing. Allele origin: germline. Not counted in ClinVar's aggregate classification.

CHEO Genetics Diagnostic Laboratory, Children's Hospital of Eastern Ontario
Classification: Pathogenic for Breast and/or ovarian cancer. Last evaluated: 2017-04-19. Review status: criteria provided, single submitter. Criteria: ACMG Guidelines, 2015. Collection method: clinical testing. Allele origin: germline. Study: Canadian Open Genetics Repository. Not counted in ClinVar's aggregate classification.

Consortium of Investigators of Modifiers of BRCA1/2 (CIMBA), c/o University of Cambridge
Classification: Pathogenic for Breast-ovarian cancer, familial, susceptibility to, 2. Last evaluated: 2015-10-02. Review status: criteria provided, single submitter. Criteria: CIMBA Mutation Classification guidelines May 2016. Collection method: clinical testing. Allele origin: germline. Not counted in ClinVar's aggregate classification.

Research Molecular Genetics Laboratory, Women's College Hospital, University of Toronto
Classification: Pathogenic for Hereditary breast ovarian cancer syndrome. Last evaluated: 2014-01-31. Review status: no assertion criteria provided. Collection method: research. Allele origin: germline. Affected: yes. Study: The Canadian Open Genetics Repository (COGR). Not counted in ClinVar's aggregate classification.

Sharing Clinical Reports Project (SCRP)
Classification: Pathogenic for Breast-ovarian cancer, familial 2. Last evaluated: 2011-09-21. Review status: no assertion criteria provided. Collection method: clinical testing. Allele origin: germline. Not counted in ClinVar's aggregate classification.

Breast Cancer Information Core (BIC) (BRCA2)
Classification: Pathogenic for Breast-ovarian cancer, familial 2. Last evaluated: 1999-12-30. Review status: no assertion criteria provided. Collection method: clinical testing. Allele origin: germline. Affected: yes. Observed: 1 variant allele. Not counted in ClinVar's aggregate classification.

Department of Pathology and Laboratory Medicine, Sinai Health System
Classification: Pathogenic for Breast-ovarian cancer, familial, susceptibility to, 2. Review status: no assertion criteria provided. Collection method: clinical testing. Allele origin: unknown. Affected: yes. Observed: 1 variant allele. Study: The Canadian Open Genetics Repository (COGR). Not counted in ClinVar's aggregate classification.
Comment: The BRCA2 p.Tyr803X variant was identified in the literature in an individual with invasive ovarian cancer (Zhang 2011). The variant was also identified in dbSNP (ID: rs80358504) â€šÃ„ÃºWith pathogenic alleleâ€šÃ„Ã¹, HGMD, and the BIC database (1X with clinical importance). The p.Tyr803X variant leads to a premature stop codon at position 803, which is predicted to lead to a truncated or absent protein and loss of function. Loss of function variants of the BRCA2 gene are an established mechanism of disease in hereditary breast and ovarian cancer and is the type of variant expected to cause the disorder. In summary, based on the above information, this variant meets our laboratoryâ€šÃ„Ã´s criteria to be classified as pathogenic.

Literature cited by the submitters: PubMed 20104584 (cited by Labcorp Genetics (formerly Invitae), Labcorp); PubMed 21324516 (cited by 6 submitters); PubMed 22711857 (cited by 4 submitters); PubMed 29446198 (cited by 4 submitters); PubMed 30646163 (cited by Ambry Genetics); PubMed 21702907 (cited by Women's Health and Genetics/Laboratory Corporation of America, LabCorp and Sema4); PubMed 33020491 (cited by Women's Health and Genetics/Laboratory Corporation of America, LabCorp); PubMed 33471991 (cited by Color Diagnostics, LLC DBA Color Health and Sema4); PubMed 33808557 (cited by Color Diagnostics, LLC DBA Color Health); PubMed 32885271 (cited by Sema4).